The following is an entry in ClinVar:

NM_000289.6(PFKM):c.1565T>C (p.Phe522Ser)

Gene: PFKM (phosphofructokinase, muscle; plus strand). Cytogenetic location: 12q13.11.
Variant type: single nucleotide variant.
Coding change: c.1565T>C on transcript NM_000289.6 (MANE Select); coding-DNA position 1565, T replaced by C.
Protein change: p.Phe522Ser; replaces phenylalanine 522 with serine.
Molecular consequence: missense variant. On other transcripts: non-coding transcript variant (6).
Genome position (GRCh38, 1-based): chr12:48,141,978, T>C. VCF-style: chr12-48141978-T-C. GRCh37 (hg19) VCF-style: chr12-48535761-T-C.
Other names: c.1439T>C, p.Phe480Ser (NM_001354746.2); c.1415T>C, p.Phe472Ser (NM_001354747.2, NM_001354748.2); c.1472T>C, p.Phe491Ser (NM_001363619.2); c.1778T>C, p.Phe593Ser (NM_001166686.2, NM_001354737.1, NM_001354738.1 and 1 more transcripts); c.1565T>C, p.Phe522Ser (NM_001166687.2, NM_001166688.2, NM_001354742.2 and 2 more transcripts); c.1874T>C, p.Phe625Ser (NM_001354735.1, NM_001354736.1); c.1709T>C, p.Phe570Ser (NM_001354740.1); c.1589T>C, p.Phe530Ser (NM_001354741.2); and 1 more; short protein forms F480S, F493S, F530S, F472S, F593S, F491S, F522S, F570S.
Identifiers: ClinVar variation 1912177 (VCV001912177.2), dbSNP rs772532021, ClinGen allele CA6537392.

ClinVar aggregate classification (germline): Uncertain significance (1 of 4 stars; one submission).

Conditions:
Glycogen storage disease, type VII (GSD7). Also called: PFKM DEFICIENCY; TARUI DISEASE; GSD VII; MUSCLE PHOSPHOFRUCTOKINASE DEFICIENCY. Identifiers: Orphanet 371, MedGen C0017926, MONDO:0009295, OMIM 232800.

Allele frequency attached by ClinVar (database versions not stated): gnomAD exomes below 0.00001; ExAC 0.00001.
gnomAD v4.1: 1 of 1,614,058 alleles (0.000062%); highest among the groups gnomAD compares: African/African-American, 0.0013%; no homozygotes.

Submission:

Labcorp Genetics (formerly Invitae), Labcorp
Classification: Uncertain significance for Glycogen storage disease, type VII. Last evaluated: 2022-08-16. Review status: criteria provided, single submitter. Criteria: Invitae Variant Classification Sherloc (09022015). Collection method: clinical testing. Allele origin: germline.
Comment: This sequence change replaces phenylalanine, which is neutral and non-polar, with serine, which is neutral and polar, at codon 522 of the PFKM protein (p.Phe522Ser). This variant is present in population databases (rs772532021, gnomAD 0.007%). This variant has not been reported in the literature in individuals affected with PFKM-related conditions. Algorithms developed to predict the effect of missense changes on protein structure and function (SIFT, PolyPhen-2, Align-GVGD) all suggest that this variant is likely to be disruptive. In summary, the available evidence is currently insufficient to determine the role of this variant in disease. Therefore, it has been classified as a Variant of Uncertain Significance.